The following is an entry in ClinVar:

NM_001165963.4(SCN1A):c.1817A>G (p.Asp606Gly)

Gene: SCN1A (sodium voltage-gated channel alpha subunit 1; minus strand). Cytogenetic location: 2q24.3.
Variant type: single nucleotide variant.
Coding change: c.1817A>G on transcript NM_001165963.4 (MANE Select); coding-DNA position 1817, A replaced by G.
Protein change: p.Asp606Gly; replaces aspartic acid 606 with glycine.
Molecular consequence: missense variant. On other transcripts: 5 prime UTR variant (1), non-coding transcript variant (1).
Genome position (GRCh38, 1-based): chr2:166,043,895, T>C on the plus strand (A>G on the coding strand, the complement: SCN1A is on the minus strand). VCF-style: chr2-166043895-T-C. GRCh37 (hg19) VCF-style: chr2-166900405-T-C.
Other names: c.1817A>G, p.Asp606Gly (NM_001165964.3, NM_001202435.3, NM_001353948.2 and 7 more transcripts); c.1814A>G, p.Asp605Gly (NM_001353954.2, NM_001353955.2, NM_001353960.2); c.-609A>G (NM_001353961.2); short protein forms D605G, D606G.
Identifiers: ClinVar variation 2073653 (VCV002073653.4), dbSNP rs748797259, ClinGen allele CA1943245.

ClinVar aggregate classification (germline): Uncertain significance. Review status: criteria provided, multiple submitters, no conflicts (2 of 4 stars). 2 submissions from 2 submitters: Uncertain significance (2). Last evaluated 2025-09-24.

Conditions:
Early-infantile DEE. Also called: Ohtahara syndrome; Early infantile epileptic encephalopathy with suppression bursts; Early infantile epileptic encephalopathy. Identifiers: Orphanet 1934, MedGen C0393706, MONDO:0800491.
Severe myoclonic epilepsy in infancy (DRVT). Also called: SEVERE MYOCLONIC EPILEPSY OF INFANCY; DEVELOPMENTAL AND EPILEPTIC ENCEPHALOPATHY 6A; Severe Myoclonic Epilepsy in Infancy (SMEI); Dravet syndrome; Epileptic encephalopathy, early infantile, 6 (Dravet syndrome). Identifiers: Orphanet 33069, MedGen C0751122, MONDO:0100135, OMIM 607208.

Allele frequency attached by ClinVar (database versions not stated): gnomAD exomes below 0.00001; TOPMed below 0.00001; ExAC 0.00001; gnomAD 0.00001.
gnomAD v4.1: 4 of 1,614,032 alleles (0.00025%); highest among the groups gnomAD compares: East Asian, 0.0089%; no homozygotes.

Submissions (2):

Genesolutions, Medical Genetics Institutes, Ho Chi Minh City, Vietnam
Classification: Uncertain significance for Severe myoclonic epilepsy in infancy. Last evaluated: 2025-09-24. Review status: criteria provided, single submitter. Criteria: ACMG Guidelines, 2015. Collection method: clinical testing. Allele origin: germline. Affected: yes.

Labcorp Genetics (formerly Invitae), Labcorp
Classification: Uncertain significance for Early-infantile DEE. Last evaluated: 2023-01-05. Review status: criteria provided, single submitter. Criteria: Invitae Variant Classification Sherloc (09022015). Collection method: clinical testing. Allele origin: germline.
Comment: This variant is present in population databases (rs748797259, gnomAD 0.006%). This variant has not been reported in the literature in individuals affected with SCN1A-related conditions. Advanced modeling of protein sequence and biophysical properties (such as structural, functional, and spatial information, amino acid conservation, physicochemical variation, residue mobility, and thermodynamic stability) performed at Invitae indicates that this missense variant is not expected to disrupt SCN1A protein function. In summary, the available evidence is currently insufficient to determine the role of this variant in disease. Therefore, it has been classified as a Variant of Uncertain Significance. This sequence change replaces aspartic acid, which is acidic and polar, with glycine, which is neutral and non-polar, at codon 606 of the SCN1A protein (p.Asp606Gly).